The following is an entry in ClinVar:

ClinVar aggregate classification (germline): Uncertain significance. Review status: criteria provided, multiple submitters, no conflicts (2 of 4 stars). 2 submissions from 2 submitters: Uncertain significance (2). Last evaluated 2024-07-03.

Conditions:
Neutral 1 amino acid transport defect (HND). Also called: HARTNUP DISORDER; Hartnup disease. Identifiers: Orphanet 2116, MedGen C0018609, MONDO:0009324, OMIM 234500.

Submissions (2):

Labcorp Genetics (formerly Invitae), Labcorp
Classification: Uncertain significance. Last evaluated: 2024-07-03. Review status: criteria provided, single submitter. Criteria: Invitae Variant Classification Sherloc (09022015). Collection method: clinical testing. Allele origin: germline.
Comment: This sequence change replaces arginine, which is basic and polar, with proline, which is neutral and non-polar, at codon 32 of the SLC6A19 protein (p.Arg32Pro). This variant is not present in population databases (gnomAD no frequency). This variant has not been reported in the literature in individuals affected with SLC6A19-related conditions. Advanced modeling of protein sequence and biophysical properties (such as structural, functional, and spatial information, amino acid conservation, physicochemical variation, residue mobility, and thermodynamic stability) performed at Invitae indicates that this missense variant is expected to disrupt SLC6A19 protein function with a positive predictive value of 80%. In summary, the available evidence is currently insufficient to determine the role of this variant in disease. Therefore, it has been classified as a Variant of Uncertain Significance.

Fulgent Genetics
Classification: Uncertain significance for Neutral 1 amino acid transport defect. Last evaluated: 2024-06-15. Review status: criteria provided, single submitter. Criteria: ACMG Guidelines, 2015. Collection method: clinical testing. Allele origin: germline.

NM_001003841.3(SLC6A19):c.95G>C (p.Arg32Pro)

Gene: SLC6A19 (solute carrier family 6 member 19; plus strand). Cytogenetic location: 5p15.33.
Variant type: single nucleotide variant.
Coding change: c.95G>C on transcript NM_001003841.3 (MANE Select); coding-DNA position 95, G replaced by C.
Protein change: p.Arg32Pro; replaces arginine 32 with proline.
Molecular consequence: missense variant.
Genome position (GRCh38, 1-based): chr5:1,201,745, G>C. VCF-style: chr5-1201745-G-C. GRCh37 (hg19) VCF-style: chr5-1201860-G-C.
Other names: short protein forms R32P.
Identifiers: ClinVar variation 3591591 (VCV003591591.3).
Genomic context (GRCh38, chr5:1,201,745, plus strand): 5'-ACGCCCGGATCCCGTCCCTGGCTGAGCTGGAGACCATCGAGCAGGAGGAGGCCAGCTCCC[G>C]GCCGAAGTGGGACAACAAGGCGCAGTACATGCTCACCTGCCTGGGCTTCTGCGTGGGCCT-3'
Protein context (NP_001003841.1, residues 22-42): ETIEQEEASS[Arg32Pro]PKWDNKAQYM